The following is an entry in ClinVar:

ClinVar aggregate classification (germline): Uncertain significance (1 of 4 stars; one submission).

Conditions:
Inborn genetic diseases. Identifiers: MedGen C0950123, MeSH D030342.

Submission:

Ambry Genetics
Classification: Uncertain significance for Inborn genetic diseases. Last evaluated: 2025-11-04. Review status: criteria provided, single submitter. Criteria: Ambry Variant Classification Scheme 2023. Collection method: clinical testing. Allele origin: germline.
Comment: The p.E1470A variant (also known as c.4409A>C), located in coding exon 17 of the FANCM gene, results from an A to C substitution at nucleotide position 4409. The glutamic acid at codon 1470 is replaced by alanine, an amino acid with dissimilar properties. This amino acid position is conserved. In addition, this alteration is predicted to be tolerated by in silico analysis. Based on the available evidence, the clinical significance of this variant remains unclear.

NM_020937.4(FANCM):c.4409A>C (p.Glu1470Ala)

Gene: FANCM (FA complementation group M; plus strand). Cytogenetic location: 14q21.2.
Variant type: single nucleotide variant.
Coding change: c.4409A>C on transcript NM_020937.4 (MANE Select); coding-DNA position 4409, A replaced by C.
Protein change: p.Glu1470Ala; replaces glutamic acid 1470 with alanine.
Molecular consequence: missense variant.
Genome position (GRCh38, 1-based): chr14:45,183,796, A>C. VCF-style: chr14-45183796-A-C. GRCh37 (hg19) VCF-style: chr14-45652999-A-C.
Other names: c.4331A>C, p.Glu1444Ala (NM_001308133.2); short protein forms E1470A, E1444A.
Identifiers: ClinVar variation 4619560 (VCV004619560.1).
Genomic context (GRCh38, chr14:45,183,796, plus strand): 5'-TTTTTTTCTTATGCAAGAATTTTGTCGAATTATTATAGTCAGAATTATCATCTAGTGATG[A>C]GAGTGAGAATTTTCCCAAACCATGTTCACAATTAGAAGACTTCAAGGTTTGTAACGGGAA-3'
Protein context (NP_065988.1, residues 1460-1480): INRSELSSSD[Glu1470Ala]SENFPKPCSQ